The following is an entry in ClinVar:

ClinVar aggregate classification (germline): Pathogenic (1 of 4 stars; one submission).

Conditions:
Combined malonic and methylmalonic acidemia. Identifiers: Orphanet 289504, MedGen C3280314, MONDO:0013661, OMIM 614265.

Submission:

Labcorp Genetics (formerly Invitae), Labcorp
Classification: Pathogenic for Combined malonic and methylmalonic acidemia. Last evaluated: 2023-08-29. Review status: criteria provided, single submitter. Criteria: Invitae Variant Classification Sherloc (09022015). Collection method: clinical testing. Allele origin: unknown.
Comment: For these reasons, this variant has been classified as Pathogenic. This variant has not been reported in the literature in individuals affected with ACSF3-related conditions. This variant is a gross deletion of the genomic region encompassing exon(s) 3-10 of the ACSF3 gene, which includes the initiator codon. This deletion extends beyond the assayed region for this gene and therefore may encompass additional genes. It is expected to result in an absent or disrupted protein product. Loss-of-function variants in ACSF3 are known to be pathogenic (PMID: 21841779, 26827111).

Literature cited by the submitters: PubMed 21841779; PubMed 26827111.

NC_000016.9:g.(?_89167090)_(89212477_?)del

Gene: ACSF3 (acyl-CoA synthetase family member 3; plus strand). Cytogenetic location: 16q24.3.
Variant type: Deletion.
Identifiers: ClinVar variation 3243502 (VCV003243502.1).